The following is an entry in ClinVar:

ClinVar aggregate classification (germline): Uncertain significance (1 of 4 stars; one submission).

Conditions:
Inborn genetic diseases. Identifiers: MedGen C0950123, MeSH D030342.

Submission:

Ambry Genetics
Classification: Uncertain significance for Inborn genetic diseases. Last evaluated: 2023-07-13. Review status: criteria provided, single submitter. Criteria: Ambry Variant Classification Scheme 2023. Collection method: clinical testing. Allele origin: germline.
Comment: The p.T2331I variant (also known as c.6992C>T), located in coding exon 47 of the LRRK2 gene, results from a C to T substitution at nucleotide position 6992. The threonine at codon 2331 is replaced by isoleucine, an amino acid with similar properties. This amino acid position is conserved. In addition, this alteration is predicted to be tolerated by in silico analysis. Since supporting evidence is limited at this time, the clinical significance of this alteration remains unclear.

NM_198578.4(LRRK2):c.6992C>T (p.Thr2331Ile)

Gene: LRRK2 (leucine rich repeat kinase 2; plus strand). Cytogenetic location: 12q12.
Variant type: single nucleotide variant.
Coding change: c.6992C>T on transcript NM_198578.4 (MANE Select); coding-DNA position 6992, C replaced by T.
Protein change: p.Thr2331Ile; replaces threonine 2331 with isoleucine.
Molecular consequence: missense variant.
Genome position (GRCh38, 1-based): chr12:40,359,408, C>T. VCF-style: chr12-40359408-C-T. GRCh37 (hg19) VCF-style: chr12-40753210-C-T.
Other names: short protein forms T2331I.
Identifiers: ClinVar variation 2587261 (VCV002587261.2), dbSNP rs2500012523, ClinGen allele CA384412022.
Genomic context (GRCh38, chr12:40,359,408, plus strand): 5'-AAAGAAATGTAATGTGGGGAGGATGTGGCACAAAGATTTTCTCCTTTTCTAATGATTTCA[C>T]CATTCAGAAACTCATTGAGACAAGAACAAGCCAACTGTAAGTTATTTTTTATCTGTACAA-3'
Protein context (NP_940980.4, residues 2321-2341): TKIFSFSNDF[Thr2331Ile]IQKLIETRTS